The following is an entry in ClinVar:

NM_130811.4(SNAP25):c.518C>T (p.Thr173Ile)

Gene: SNAP25 (synaptosome associated protein 25; plus strand). Cytogenetic location: 20p12.2.
Variant type: single nucleotide variant.
Coding change: c.518C>T on transcript NM_130811.4 (MANE Select); coding-DNA position 518, C replaced by T.
Protein change: p.Thr173Ile; replaces threonine 173 with isoleucine.
Molecular consequence: missense variant.
Genome position (GRCh38, 1-based): chr20:10,299,378, C>T. VCF-style: chr20-10299378-C-T. GRCh37 (hg19) VCF-style: chr20-10280026-C-T.
Other names: c.518C>T, p.Thr173Ile (NM_001322902.2, NM_001322903.2, NM_001322904.2 and 9 more transcripts); short protein forms T173I.
Identifiers: ClinVar variation 4823179 (VCV004823179.4).
Genomic context (GRCh38, chr20:10,299,378, plus strand): 5'-TGAGCGGCATCATCGGGAACCTCCGTCACATGGCCCTGGATATGGGCAATGAGATCGATA[C>T]ACAGAATCGCCAGATCGACAGGATCATGGAGAAGGTGAGCACGTGGCAGTCAGCAAGTCC-3'
Protein context (NP_570824.1, residues 163-183): MALDMGNEID[Thr173Ile]QNRQIDRIME

ClinVar aggregate classification (germline): Uncertain significance (1 of 4 stars; one submission).

Submission:

CeGaT Center for Human Genetics Tuebingen
Classification: Uncertain significance. Last evaluated: 2026-02-01. Review status: criteria provided, single submitter. Criteria: CeGaT Center For Human Genetics Tuebingen Variant Classification Criteria Version 2. Collection method: clinical testing. Allele origin: germline. Affected: yes. Observed: 1 variant allele.
Comment: SNAP25: PM2, PP2